The following is an entry in ClinVar:

NM_001042492.3(NF1):c.1690G>A (p.Asp564Asn)

Gene: NF1 (neurofibromin 1; plus strand). Cytogenetic location: 17q11.2.
Variant type: single nucleotide variant.
Coding change: c.1690G>A on transcript NM_001042492.3 (MANE Select); coding-DNA position 1690, G replaced by A.
Protein change: p.Asp564Asn; replaces aspartic acid 564 with asparagine.
Molecular consequence: missense variant.
Genome position (GRCh38, 1-based): chr17:31,221,898, G>A. VCF-style: chr17-31221898-G-A. GRCh37 (hg19) VCF-style: chr17-29548916-G-A.
Other names: c.1690G>A, p.Asp564Asn (NM_000267.4, NM_001128147.3); short protein forms D564N.
Identifiers: ClinVar variation 1396803 (VCV001396803.8), dbSNP rs2144004484, ClinGen allele CA399002315.

ClinVar aggregate classification (germline): Conflicting classifications of pathogenicity. Review status: criteria provided, conflicting classifications (1 of 4 stars). 3 submissions from 3 submitters: Pathogenic (1); Uncertain significance (2). Last evaluated 2026-06-10.

Conditions:
Neurofibromatosis, type 1 (NF1). Also called: Peripheral type neurofibromatosis; VON RECKLINGHAUSEN DISEASE; NEUROFIBROMATOSIS, TYPE I, SOMATIC; Neurofibromatosis, type I. Identifiers: Orphanet 636, MedGen C0027831, MONDO:0018975, OMIM 162200. Disease mechanism: loss of function.

Allele frequency attached by ClinVar (database versions not stated): gnomAD exomes below 0.00001.
gnomAD v4.1: 1 of 1,606,796 alleles (0.000062%); highest among the groups gnomAD compares: Non-Finnish European, 0.000085%; no homozygotes.

Submissions (3):

Clinical and Functional Genomics Group, A.C.Camargo Cancer Center
Classification: Pathogenic for Neurofibromatosis, type 1. Last evaluated: 2026-06-10. Review status: criteria provided, single submitter. Criteria: CFGG ACC Assertion Criteria V1. Collection method: research. Allele origin: germline. Affected: yes.
Comment: The c.1690G>A (p.Asp564Asn) missense variant in the NF1 gene is located within exon 15 and results in the substitution of a polar aspartic acid with a polar asparagine in the CSRD domain. This variant is absent from population databases (e.g., gnomAD) and has two submissions in ClinVar (SCV002158908.5; SCV005901494.1). In silico protein function prediction (REVEL = 0.177; AlphaMissense = 0.1762) indicates moderate benign and uncertain impact. SpliceAI predicts loss of the acceptor site (0.23) and loss of donor loss (0.19), suggesting a potential impact on pre-mRNA splicing. RNA evidence by targeted cDNA sequencing demonstrated that the c.1690G>A substitution results in the complete skipping of exon 15 (data obtained from one NF1 affected patient). This event causes an out-of-frame skipping and introduces a premature termination codon (r.1642_1721del; [p.Ala548Leufs*13]), which is predicted to undergo nonsense-mediated mRNA decay (NMD) (internal data). Based on the above evidence and applying the recommended ACMG guidelines (Richards et al., 2015), updated with RNA-based evidence (Walker et al., 2023), this variant was classified as pathogenic (PVS1 (RNA), PM2_supporting and PP4).

GeneDx
Classification: Uncertain significance. Last evaluated: 2024-09-23. Review status: criteria provided, single submitter. Criteria: GeneDx Variant Classification Process June 2021. Collection method: clinical testing. Allele origin: germline. Affected: yes.
Comment: Not observed at significant frequency in large population cohorts (gnomAD); In silico analysis indicates that this missense variant does not alter protein structure/function; Has not been previously published as pathogenic or benign to our knowledge; This variant is associated with the following publications: (PMID: 25486365)

Labcorp Genetics (formerly Invitae), Labcorp
Classification: Uncertain significance for Neurofibromatosis, type 1. Last evaluated: 2021-12-11. Review status: criteria provided, single submitter. Criteria: Invitae Variant Classification Sherloc (09022015). Collection method: clinical testing. Allele origin: germline.
Comment: In summary, the available evidence is currently insufficient to determine the role of this variant in disease. Therefore, it has been classified as a Variant of Uncertain Significance. Algorithms developed to predict the effect of missense changes on protein structure and function are either unavailable or do not agree on the potential impact of this missense change (SIFT: "Deleterious"; PolyPhen-2: "Benign"; Align-GVGD: "Class C0"). This variant has not been reported in the literature in individuals affected with NF1-related conditions. This variant is not present in population databases (gnomAD no frequency). This sequence change replaces aspartic acid, which is acidic and polar, with asparagine, which is neutral and polar, at codon 564 of the NF1 protein (p.Asp564Asn).